The following is an entry in ClinVar:

NM_014915.3(ANKRD26):c.106T>G (p.Ser36Ala)

Genes: ANKRD26 (ankyrin repeat domain 26; minus strand), LOC130003554 (ATAC-STARR-seq lymphoblastoid silent region 2243; plus strand). Cytogenetic location: 10p12.1.
Variant type: single nucleotide variant.
Coding change: c.106T>G on transcript NM_014915.3 (MANE Select); coding-DNA position 106, T replaced by G.
Protein change: p.Ser36Ala; replaces serine 36 with alanine.
Molecular consequence: missense variant.
Genome position (GRCh38, 1-based): chr10:27,100,221, A>C on the plus strand (T>G on the coding strand, the complement: ANKRD26 is on the minus strand). VCF-style: chr10-27100221-A-C. GRCh37 (hg19) VCF-style: chr10-27389150-A-C.
Other names: c.106T>G, p.Ser36Ala (NM_001256053.2); short protein forms S36A.
Identifiers: ClinVar variation 3124261 (VCV003124261.2), dbSNP rs753062436, ClinGen allele CA5449065.

ClinVar aggregate classification (germline): Uncertain significance (1 of 4 stars; one submission).

Conditions:
Inborn genetic diseases. Identifiers: MedGen C0950123, MeSH D030342.

Allele frequency attached by ClinVar (database versions not stated): ExAC 0.00001; gnomAD exomes 0.00001.

Submission:

Ambry Genetics
Classification: Uncertain significance for Inborn genetic diseases. Last evaluated: 2026-06-01. Review status: criteria provided, single submitter. Criteria: Ambry Variant Classification Scheme 2023. Collection method: clinical testing. Allele origin: germline.
Comment: The p.S36A variant (also known as c.106T>G), located in coding exon 1 of the ANKRD26 gene, results from a T to G substitution at nucleotide position 106. The serine at codon 36 is replaced by alanine, an amino acid with similar properties. This amino acid position is conserved. In addition, this alteration is predicted to be tolerated by in silico analysis. Based on the available evidence, the clinical significance of this variant remains unclear.